The following is an entry in ClinVar:

ClinVar aggregate classification (germline): Benign. Review status: criteria provided, multiple submitters, no conflicts (2 of 4 stars). 3 submissions from 3 submitters: Benign (3). Last evaluated 2024-07-15.

Allele frequency attached by ClinVar (database versions not stated): ESP Exome Variant Server 0.19785; gnomAD 0.20175 and 0.20498; TOPMed 0.21637; 1000 Genomes Project 0.24960; 1000 Genomes Project 30x 0.25344.
gnomAD v4.1: 223,977 of 1,610,684 alleles (14%); highest among the groups gnomAD compares: African/African-American, 37%; 19,672 homozygotes.

Submissions (3):

Unidad de Genómica Garrahan, Hospital de Pediatría Garrahan
Classification: Benign. Last evaluated: 2024-07-15. Review status: criteria provided, single submitter. Criteria: ACMG Guidelines, 2015. Collection method: clinical testing. Allele origin: germline. Affected: no. Observed: 26 variant alleles.
Comment: This variant is classified as Benign based on local population frequency. This variant was detected in 28% of patients studied in a panel designed for Epileptic and Developmental Encephalopathy and Progressive Myoclonus Epilepsy. Number of patients: 26. Only high quality variants are reported.

GeneDx
Classification: Benign. Last evaluated: 2018-06-26. Review status: criteria provided, single submitter. Criteria: GeneDx Variant Classification Process June 2021. Collection method: clinical testing. Allele origin: germline. Affected: yes.

Breakthrough Genomics
Classification: Benign. Review status: criteria provided, single submitter. Criteria: ACMG Guidelines, 2015. Collection method: not provided. Allele origin: germline. Inheritance: Autosomal dominant inheritance. Affected: yes.

NM_001174147.2(LMX1B):c.887-26G>T

Gene: LMX1B (LIM homeobox transcription factor 1 beta; plus strand). Cytogenetic location: 9q33.3.
Variant type: single nucleotide variant.
Coding change: c.887-26G>T on transcript NM_001174147.2 (MANE Select); 26 bases into the intron before coding-DNA position 887, G replaced by T.
Molecular consequence: intron variant.
Genome position (GRCh38, 1-based): chr9:126,695,813, G>T. VCF-style: chr9-126695813-G-T. GRCh37 (hg19) VCF-style: chr9-129458092-G-T.
Other names: c.920-26G>T (NM_001174146.2); c.887-26G>T (NM_002316.4).
Identifiers: ClinVar variation 1281138 (VCV001281138.4), dbSNP rs3737048, ClinGen allele CA5242476.
Genomic context (GRCh38, chr9:126,695,813, plus strand): 5'-CCAAGGAGATCAGAAGGGGAGGCTGCTGGGGTGTAGCTGGGAGGGCGTGGACCAGGCCAG[G>T]GGGTGAAGGCTCACTGTGCCCCCAGAGGTCCTGTCCAGCCGCATGGAGGGCATGATGGCT-3'